The following is an entry in ClinVar:

ClinVar aggregate classification (germline): Uncertain significance. Review status: criteria provided, multiple submitters, no conflicts (2 of 4 stars). 2 submissions from 2 submitters: Uncertain significance (2). Last evaluated 2024-04-12.

Conditions:
Saldino-Mainzer syndrome (SRTD9). Also called: CONORENAL SYNDROME; SHORT-RIB THORACIC DYSPLASIA 9 WITHOUT POLYDACTYLY; short-rib thoracic dysplasia 9 with or without polydactyly; Renal dysplasia, retinal pigmentary dystrophy, cerebellar ataxia and skeletal dysplasia. Identifiers: Orphanet 140969, MedGen C1849437, MONDO:0009964, OMIM 266920.
Retinitis pigmentosa 80 (RP80). Identifiers: MedGen C4540439, MONDO:0054708, OMIM 617781.

gnomAD v4.1: 1 of 1,613,562 alleles (0.000062%); highest among the groups gnomAD compares: Non-Finnish European, 0.000085%; no homozygotes.

Submissions (2):

Fulgent Genetics
Classification: Uncertain significance for Saldino-Mainzer syndrome; Retinitis pigmentosa 80. Last evaluated: 2024-04-12. Review status: criteria provided, single submitter. Criteria: ACMG Guidelines, 2015. Collection method: clinical testing. Allele origin: germline.

Labcorp Genetics (formerly Invitae), Labcorp
Classification: Uncertain significance for Saldino-Mainzer syndrome. Last evaluated: 2022-07-12. Review status: criteria provided, single submitter. Criteria: Invitae Variant Classification Sherloc (09022015). Collection method: clinical testing. Allele origin: germline.
Comment: This variant has not been reported in the literature in individuals affected with IFT140-related conditions. ClinVar contains an entry for this variant (Variation ID: 938721). Algorithms developed to predict the effect of missense changes on protein structure and function (SIFT, PolyPhen-2, Align-GVGD) all suggest that this variant is likely to be tolerated. In summary, the available evidence is currently insufficient to determine the role of this variant in disease. Therefore, it has been classified as a Variant of Uncertain Significance. This variant is not present in population databases (gnomAD no frequency). This sequence change replaces glutamic acid, which is acidic and polar, with glutamine, which is neutral and polar, at codon 631 of the IFT140 protein (p.Glu631Gln).

NM_014714.4(IFT140):c.1891G>C (p.Glu631Gln)

Gene: IFT140 (intraflagellar transport 140; minus strand). Cytogenetic location: 16p13.3.
Variant type: single nucleotide variant.
Coding change: c.1891G>C on transcript NM_014714.4 (MANE Select); coding-DNA position 1891, G replaced by C.
Protein change: p.Glu631Gln; replaces glutamic acid 631 with glutamine.
Molecular consequence: missense variant.
Genome position (GRCh38, 1-based): chr16:1,566,171, C>G on the plus strand (G>C on the coding strand, the complement: IFT140 is on the minus strand). VCF-style: chr16-1566171-C-G. GRCh37 (hg19) VCF-style: chr16-1616172-C-G.
Other names: short protein forms E631Q.
Identifiers: ClinVar variation 938721 (VCV000938721.10), dbSNP rs777613696, ClinGen allele CA394205764.
Genomic context (GRCh38, chr16:1,566,171, plus strand): 5'-TAACTGAACATCATTTTTTCCAACAAAATCCTCCTGAACCACAATCTTACTTATTAGTCT[C>G]TTGCTCATTAAAGGACAGCGTCTCTCTCCGATCAATTTGTCCAGTCTTGAAGTCAAAGAC-3'
Protein context (NP_055529.2, residues 621-641): RRETLSFNEQ[Glu631Gln]TNKSHLFVDE